The following is an entry in ClinVar:

NM_013451.4(MYOF):c.3215G>A (p.Arg1072His)

Gene: MYOF (myoferlin; minus strand). Cytogenetic location: 10q23.33.
Variant type: single nucleotide variant.
Coding change: c.3215G>A on transcript NM_013451.4 (MANE Select); coding-DNA position 3215, G replaced by A.
Protein change: p.Arg1072His; replaces arginine 1072 with histidine.
Molecular consequence: missense variant.
Genome position (GRCh38, 1-based): chr10:93,356,754, C>T on the plus strand (G>A on the coding strand, the complement: MYOF is on the minus strand). VCF-style: chr10-93356754-C-T. GRCh37 (hg19) VCF-style: chr10-95116511-C-T.
Other names: c.3176G>A, p.Arg1059His (NM_133337.3); short protein forms R1059H, R1072H.
Identifiers: ClinVar variation 2640692 (VCV002640692.24), dbSNP rs767672177, ClinGen allele CA5607564.

ClinVar aggregate classification (germline): Uncertain significance (1 of 4 stars; one submission).

Allele frequency attached by ClinVar (database versions not stated): ExAC 0.00001; gnomAD exomes 0.00002; TOPMed 0.00004.
gnomAD v4.1: 27 of 1,614,142 alleles (0.0017%); highest among the groups gnomAD compares: East Asian, 0.033%; no homozygotes.

Submission:

CeGaT Center for Human Genetics Tuebingen
Classification: Uncertain significance. Last evaluated: 2022-10-01. Review status: criteria provided, single submitter. Criteria: CeGaT Center For Human Genetics Tuebingen Variant Classification Criteria Version 2. Collection method: clinical testing. Allele origin: germline. Affected: yes. Observed: 1 variant allele.
Comment: MYOF: PM2, PP3